The following is an entry in ClinVar:

ClinVar aggregate classification (germline): Uncertain significance (1 of 4 stars; one submission).

Conditions:
Emery-Dreifuss muscular dystrophy (EDMD). Also called: Scapuloperoneal syndrome, X-linked (formerly); Humeroperoneal neuromuscular disease, (formerly). Identifiers: Orphanet 261, MedGen C0410189, MONDO:0016830.

Allele frequency attached by ClinVar (database versions not stated): ExAC 0.00001; gnomAD 0.00001; TOPMed 0.00001; gnomAD exomes 0.00002.
gnomAD v4.1: 25 of 1,613,782 alleles (0.0015%); highest among the groups gnomAD compares: East Asian, 0.0045%; no homozygotes.

Submission:

Labcorp Genetics (formerly Invitae), Labcorp
Classification: Uncertain significance for Emery-Dreifuss muscular dystrophy. Last evaluated: 2023-09-20. Review status: criteria provided, single submitter. Criteria: Invitae Variant Classification Sherloc (09022015). Collection method: clinical testing. Allele origin: germline.
Comment: Algorithms developed to predict the effect of missense changes on protein structure and function output the following: SIFT: "Not Available"; PolyPhen-2: "Benign"; Align-GVGD: "Not Available". The glutamine amino acid residue is found in multiple mammalian species, which suggests that this missense change does not adversely affect protein function. This variant has not been reported in the literature in individuals affected with SUN1-related conditions. This variant is present in population databases (rs764780487, gnomAD 0.005%). This sequence change replaces arginine, which is basic and polar, with glutamine, which is neutral and polar, at codon 384 of the SUN1 protein (p.Arg384Gln). In summary, the available evidence is currently insufficient to determine the role of this variant in disease. Therefore, it has been classified as a Variant of Uncertain Significance.

NM_001130965.3(SUN1):c.1151G>A (p.Arg384Gln)

Gene: SUN1 (Sad1 and UNC84 domain containing 1; plus strand). Cytogenetic location: 7p22.3.
Variant type: single nucleotide variant.
Coding change: c.1151G>A on transcript NM_001130965.3 (MANE Select); coding-DNA position 1151, G replaced by A.
Protein change: p.Arg384Gln; replaces arginine 384 with glutamine.
Molecular consequence: missense variant. On other transcripts: non-coding transcript variant (3).
Genome position (GRCh38, 1-based): chr7:853,506, G>A. VCF-style: chr7-853506-G-A. GRCh37 (hg19) VCF-style: chr7-893143-G-A.
Other names: c.842G>A, p.Arg281Gln (NM_001171944.2); c.1151G>A, p.Arg384Gln (NM_001367633.1, NM_001367634.1, NM_001367653.1 and 1 more transcripts); c.800G>A, p.Arg267Gln (NM_001367635.1); c.1391G>A, p.Arg464Gln (NM_001367636.1, NM_001367691.1); c.1259G>A, p.Arg420Gln (NM_001367638.1); c.692G>A, p.Arg231Gln (NM_001367639.1); c.1331G>A, p.Arg444Gln (NM_001367640.1); c.1433G>A, p.Arg478Gln (NM_001367641.1, NM_001367682.1); and 38 more; short protein forms R146Q, R195Q, R281Q, R370Q, R371Q, R411Q, R421Q, R454Q.
Identifiers: ClinVar variation 2739812 (VCV002739812.3), dbSNP rs764780487, ClinGen allele CA4112084.
Genomic context (GRCh38, chr7:853,506, plus strand): 5'-GCGTGGAGCAGCAGGTGGCCTCTCTGTCTGGACAGTGCCACCACCATGGTGAGAATCTCC[G>A]AGAGCTGACCACTTTGCTACAGAAGCTGCAGGCTCGGGTGGACCAGATGGAAGGCGGCGC-3'
Protein context (NP_001124437.1, residues 374-394): GQCHHHGENL[Arg384Gln]ELTTLLQKLQ